The following is an entry in ClinVar:

NM_000466.3(PEX1):c.2072-4C>T

Gene: PEX1 (peroxisomal biogenesis factor 1; minus strand). Cytogenetic location: 7q21.2.
Variant type: single nucleotide variant.
Coding change: c.2072-4C>T on transcript NM_000466.3 (MANE Select); 4 bases into the intron before coding-DNA position 2072, C replaced by T.
Molecular consequence: intron variant.
Genome position (GRCh38, 1-based): chr7:92,503,199, G>A on the plus strand (C>T on the coding strand, the complement: PEX1 is on the minus strand). VCF-style: chr7-92503199-G-A. GRCh37 (hg19) VCF-style: chr7-92132513-G-A.
Other names: c.2072-4C>T (NM_000466.2); c.1901-4C>T (NM_001282677.2); c.1448-4C>T (NM_001282678.2).
Identifiers: ClinVar variation 1095236 (VCV001095236.10), dbSNP rs1792019918, ClinGen allele CA1725937202.

ClinVar aggregate classification (germline): Likely benign. Review status: criteria provided, multiple submitters, no conflicts (2 of 4 stars). 2 submissions from 2 submitters: Likely benign (2). Last evaluated 2025-03-19.

Conditions:
PEX1-related disorder. Also called: PEX1-related condition.
Zellweger spectrum disorders (ZS). Also called: Zellweger Spectrum Disorder; Zellweger Spectrum; Zellweger syndrome; Zellweger Spectrum Disorder (ZSD). Identifiers: Orphanet 912, MedGen C0043459, MONDO:0019609.

Allele frequency attached by ClinVar (database versions not stated): gnomAD exomes below 0.00001.
gnomAD v4.1: 6 of 1,612,518 alleles (0.00037%); highest among the groups gnomAD compares: Non-Finnish European, 0.00051%; no homozygotes.

Submissions (2):

PreventionGenetics, part of Exact Sciences
Classification: Likely benign for PEX1-related condition. Last evaluated: 2025-03-19. Review status: criteria provided, single submitter. Criteria: ACMG Guidelines, 2015. Collection method: clinical testing. Allele origin: germline.
Comment: This variant is classified as likely benign based on ACMG/AMP sequence variant interpretation guidelines (Richards et al. 2015 PMID: 25741868, with internal and published modifications).

Labcorp Genetics (formerly Invitae), Labcorp
Classification: Likely benign for Zellweger spectrum disorders. Last evaluated: 2023-10-18. Review status: criteria provided, single submitter. Criteria: Invitae Variant Classification Sherloc (09022015). Collection method: clinical testing. Allele origin: germline.